The following is an entry in ClinVar:

NM_182961.4(SYNE1):c.22362T>A (p.Phe7454Leu)

Gene: SYNE1 (spectrin repeat containing nuclear envelope protein 1; minus strand). Cytogenetic location: 6q25.2.
Variant type: single nucleotide variant.
Coding change: c.22362T>A on transcript NM_182961.4 (MANE Select); coding-DNA position 22362, T replaced by A.
Protein change: p.Phe7454Leu; replaces phenylalanine 7454 with leucine.
Molecular consequence: missense variant.
Genome position (GRCh38, 1-based): chr6:152,213,744, A>T on the plus strand (T>A on the coding strand, the complement: SYNE1 is on the minus strand). VCF-style: chr6-152213744-A-T. GRCh37 (hg19) VCF-style: chr6-152534879-A-T.
Other names: c.22149T>A, p.Phe7383Leu (NM_033071.5); short protein forms F7383L, F7454L.
Identifiers: ClinVar variation 282528 (VCV000282528.15), dbSNP rs371289584, ClinGen allele CA4053891.

ClinVar aggregate classification (germline): Uncertain significance. Review status: criteria provided, multiple submitters, no conflicts (2 of 4 stars). 3 submissions from 3 submitters: Uncertain significance (3). Last evaluated 2025-08-12.

Conditions:
Autosomal recessive ataxia, Beauce type. Also called: Spinocerebellar ataxia, autosomal recessive 8; ATAXIA, RECESSIVE, OF BEAUCE; SYNE1-Related Autosomal Recessive Cerebellar Ataxia; SYNE1 Deficiency. Identifiers: Orphanet 88644, MedGen C1853116, MONDO:0012549, OMIM 610743.
Emery-Dreifuss muscular dystrophy 4, autosomal dominant (EDMD4). Also called: EMERY-DREIFUSS MUSCULAR DYSTROPHY 4 WITH VARIABLE FEATURES. Identifiers: Orphanet 261, MedGen C2751807, MONDO:0013071, OMIM 612998.

Allele frequency attached by ClinVar (database versions not stated): TOPMed 0.00002; ESP Exome Variant Server 0.00008.
gnomAD v4.1: 25 of 1,614,010 alleles (0.0015%); highest among the groups gnomAD compares: Non-Finnish European, 0.0021%; no homozygotes.

Submissions (3):

Labcorp Genetics (formerly Invitae), Labcorp
Classification: Uncertain significance for Emery-Dreifuss muscular dystrophy 4, autosomal dominant; Autosomal recessive ataxia, Beauce type. Last evaluated: 2025-08-12. Review status: criteria provided, single submitter. Criteria: Invitae Variant Classification Sherloc (09022015). Collection method: clinical testing. Allele origin: germline.
Comment: This sequence change replaces phenylalanine, which is neutral and non-polar, with leucine, which is neutral and non-polar, at codon 7383 of the SYNE1 protein (p.Phe7383Leu). This variant is present in population databases (rs371289584, gnomAD 0.002%). This variant has not been reported in the literature in individuals affected with SYNE1-related conditions. ClinVar contains an entry for this variant (Variation ID: 282528). An algorithm developed to predict the effect of missense changes on protein structure and function (PolyPhen-2) suggests that this variant is likely to be tolerated. In summary, the available evidence is currently insufficient to determine the role of this variant in disease. Therefore, it has been classified as a Variant of Uncertain Significance.

Revvity Omics, Revvity
Classification: Uncertain significance. Last evaluated: 2025-04-24. Review status: criteria provided, single submitter. Criteria: ACMG Guidelines, 2015. Collection method: clinical testing. Allele origin: germline.

Eurofins Ntd Llc (ga)
Classification: Uncertain significance. Last evaluated: 2017-03-04. Review status: criteria provided, single submitter. Criteria: EGL Classification Definitions 2015. Collection method: clinical testing. Allele origin: germline. Observed: 3 variant alleles, 3 heterozygotes.